The following is an entry in ClinVar:

ClinVar aggregate classification (germline): Uncertain significance (1 of 4 stars; one submission).

Conditions:
Familial cancer of breast. Also called: hereditary breast carcinoma; Hereditary breast cancer; BREAST CANCER, FAMILIAL. Identifiers: Orphanet 227535, MedGen C0346153, MONDO:0016419, OMIM 114480. Disease mechanism: loss of function.

Submission:

Labcorp Genetics (formerly Invitae), Labcorp
Classification: Uncertain significance for Familial cancer of breast. Last evaluated: 2021-02-20. Review status: criteria provided, single submitter. Criteria: Invitae Variant Classification Sherloc (09022015). Collection method: clinical testing. Allele origin: germline.
Comment: This sequence change replaces glutamic acid with aspartic acid at codon 173 of the CHEK2 protein (p.Glu173Asp). The glutamic acid residue is highly conserved and there is a small physicochemical difference between glutamic acid and aspartic acid. This variant is not present in population databases (ExAC no frequency). This variant has not been reported in the literature in individuals with CHEK2-related conditions. Algorithms developed to predict the effect of missense changes on protein structure and function output the following: SIFT: "Tolerated"; PolyPhen-2: "Benign"; Align-GVGD: "Class C0". The aspartic acid amino acid residue is found in multiple mammalian species, suggesting that this missense change does not adversely affect protein function. These predictions have not been confirmed by published functional studies and their clinical significance is uncertain. In summary, the available evidence is currently insufficient to determine the role of this variant in disease. Therefore, it has been classified as a Variant of Uncertain Significance.

NM_007194.4(CHEK2):c.519G>C (p.Glu173Asp)

Gene: CHEK2 (checkpoint kinase 2; minus strand). Cytogenetic location: 22q12.1.
Variant type: single nucleotide variant.
Coding change: c.519G>C on transcript NM_007194.4 (MANE Select); coding-DNA position 519, G replaced by C.
Protein change: p.Glu173Asp; replaces glutamic acid 173 with aspartic acid.
Molecular consequence: missense variant. On other transcripts: 5 prime UTR variant (2), intron variant (1).
Genome position (GRCh38, 1-based): chr22:28,725,050, C>G on the plus strand (G>C on the coding strand, the complement: CHEK2 is on the minus strand). VCF-style: chr22-28725050-C-G. GRCh37 (hg19) VCF-style: chr22-29121038-C-G.
Other names: c.648G>C, p.Glu216Asp (NM_001005735.3, NM_001438294.1); c.-259G>C (NM_001257387.3); c.-145G>C (NM_001437942.1); c.612G>C, p.Glu204Asp (NM_001438293.1, NM_001438295.1); c.519G>C, p.Glu173Asp (NM_145862.3); c.445-127G>C (NM_001349956.3); short protein forms E173D, E216D, E204D.
Identifiers: ClinVar variation 1482844 (VCV001482844.9), dbSNP rs2146059257, ClinGen allele CA411107345.